The following is an entry in ClinVar:

ClinVar aggregate classification (germline): Uncertain significance (1 of 4 stars; one submission).

Submission:

Labcorp Genetics (formerly Invitae), Labcorp
Classification: Uncertain significance. Last evaluated: 2024-10-16. Review status: criteria provided, single submitter. Criteria: Invitae Variant Classification Sherloc (09022015). Collection method: clinical testing. Allele origin: germline.
Comment: This sequence change replaces arginine, which is basic and polar, with glutamine, which is neutral and polar, at codon 3373 of the TRRAP protein (p.Arg3373Gln). This variant is not present in population databases (gnomAD no frequency). This variant has not been reported in the literature in individuals affected with TRRAP-related conditions. ClinVar contains an entry for this variant (Variation ID: 1925777). Invitae Evidence Modeling of protein sequence and biophysical properties (such as structural, functional, and spatial information, amino acid conservation, physicochemical variation, residue mobility, and thermodynamic stability) indicates that this missense variant is not expected to disrupt TRRAP protein function with a negative predictive value of 80%. In summary, the available evidence is currently insufficient to determine the role of this variant in disease. Therefore, it has been classified as a Variant of Uncertain Significance.

NM_001375524.1(TRRAP):c.10247G>A (p.Arg3416Gln)

Gene: TRRAP (transformation/transcription domain associated protein; plus strand). Cytogenetic location: 7q22.1.
Variant type: single nucleotide variant.
Coding change: c.10247G>A on transcript NM_001375524.1 (MANE Select); coding-DNA position 10247, G replaced by A.
Protein change: p.Arg3416Gln; replaces arginine 3416 with glutamine.
Molecular consequence: missense variant.
Genome position (GRCh38, 1-based): chr7:98,994,786, G>A. VCF-style: chr7-98994786-G-A. GRCh37 (hg19) VCF-style: chr7-98592409-G-A.
Other names: c.10205G>A, p.Arg3402Gln (NM_001244580.2); c.10118G>A, p.Arg3373Gln (NM_003496.4); short protein forms R3402Q, R3416Q, R3373Q.
Identifiers: ClinVar variation 1925777 (VCV001925777.5), dbSNP rs2485015107, ClinGen allele CA368333014.